The following is an entry in ClinVar:

ClinVar aggregate classification (germline): Likely benign. Review status: criteria provided, multiple submitters, no conflicts (2 of 4 stars). 2 submissions from 2 submitters: Likely benign (2). Last evaluated 2018-01-13.

Conditions:
Exercise-induced hyperinsulinism (HHF7). Identifiers: Orphanet 165991, MedGen C1864902, MONDO:0012396, OMIM 610021.

Allele frequency attached by ClinVar (database versions not stated): 1000 Genomes Project 0.01098; TOPMed 0.01713; gnomAD 0.01717 and 0.01723; 1000 Genomes Project 30x 0.01156; gnomAD exomes 0.02449.
gnomAD v4.1: 23,849 of 1,022,230 alleles (2.3%); highest among the groups gnomAD compares: Non-Finnish European, 3%; 393 homozygotes.

Submissions (2):

Illumina Laboratory Services, Illumina
Classification: Likely benign for Exercise-induced hyperinsulinism. Last evaluated: 2018-01-13. Review status: criteria provided, single submitter. Criteria: ICSL Variant Classification Criteria 13 December 2019. Collection method: clinical testing. Allele origin: germline.
Comment: This variant was observed in the ICSL laboratory as part of a predisposition screen in an ostensibly healthy population. It had not been previously curated by ICSL or reported in the Human Gene Mutation Database (HGMD: prior to June 1st, 2018), and was therefore a candidate for classification through an automated scoring system. Utilizing variant allele frequency, disease prevalence and penetrance estimates, and inheritance mode, an automated score was calculated to assess if this variant is too frequent to cause the disease. Based on the score and internal cut-off values, a variant classified as likely benign is not then subjected to further curation. The score for this variant resulted in a classification of likely benign for this disease.

Breakthrough Genomics
Classification: Likely benign. Review status: criteria provided, single submitter. Criteria: ACMG Guidelines, 2015. Collection method: not provided. Allele origin: germline. Inheritance: Autosomal recessive inheritance. Affected: yes.

NM_003051.4(SLC16A1):c.*145T>G

Gene: SLC16A1 (solute carrier family 16 member 1; minus strand). Cytogenetic location: 1p13.2.
Variant type: single nucleotide variant.
Coding change: c.*145T>G on transcript NM_003051.4 (MANE Select); 145 bases downstream of the stop codon, T replaced by G.
Molecular consequence: 3 prime UTR variant.
Genome position (GRCh38, 1-based): chr1:112,913,746, A>C on the plus strand (T>G on the coding strand, the complement: SLC16A1 is on the minus strand). VCF-style: chr1-112913746-A-C. GRCh37 (hg19) VCF-style: chr1-113456368-A-C.
Other names: c.*145T>G (NM_001166496.2).
Identifiers: ClinVar variation 291847 (VCV000291847.6), dbSNP rs11585690, ClinGen allele CA10607442.